The following is an entry in ClinVar:

NM_015450.3(POT1):c.740A>G (p.Lys247Arg)

Gene: POT1 (protection of telomeres 1; minus strand). Cytogenetic location: 7q31.33.
Variant type: single nucleotide variant.
Coding change: c.740A>G on transcript NM_015450.3 (MANE Select); coding-DNA position 740, A replaced by G.
Protein change: p.Lys247Arg; replaces lysine 247 with arginine.
Molecular consequence: missense variant. On other transcripts: non-coding transcript variant (3).
Genome position (GRCh38, 1-based): chr7:124,853,101, T>C on the plus strand (A>G on the coding strand, the complement: POT1 is on the minus strand). VCF-style: chr7-124853101-T-C. GRCh37 (hg19) VCF-style: chr7-124493155-T-C.
Other names: c.347A>G, p.Lys116Arg (NM_001042594.2); c.740A>G (NM_015450.2); short protein forms K116R, K247R.
Identifiers: ClinVar variation 1047127 (VCV001047127.11), dbSNP rs1795354672, ClinGen allele CA369055662.

ClinVar aggregate classification (germline): Uncertain significance. Review status: criteria provided, multiple submitters, no conflicts (2 of 4 stars). 2 submissions from 2 submitters: Uncertain significance (2). Last evaluated 2025-11-18.

Conditions:
Tumor predisposition syndrome 3 (TPDS3). Also called: Melanoma, cutaneous malignant, susceptibility to, 10; Glioma susceptibility 9; LONG TELOMERE SYNDROME, POT1-RELATED; POT1 Tumor Predisposition. Identifiers: Orphanet 618, MedGen C4014476, MONDO:0014368, OMIM 615848.
Hereditary cancer-predisposing syndrome. Also called: Neoplastic Syndromes, Hereditary; Hereditary Cancer Syndrome; Hereditary neoplastic syndrome; Tumor predisposition. Identifiers: Orphanet 140162, MedGen C0027672, MeSH D009386, MONDO:0015356.

Submissions (2):

Ambry Genetics
Classification: Uncertain significance for Hereditary cancer-predisposing syndrome. Last evaluated: 2025-11-18. Review status: criteria provided, single submitter. Criteria: Ambry Variant Classification Scheme 2023. Collection method: clinical testing. Allele origin: germline.
Comment: The p.K247R variant (also known as c.740A>G), located in coding exon 6 of the POT1 gene, results from an A to G substitution at nucleotide position 740. The lysine at codon 247 is replaced by arginine, an amino acid with highly similar properties. This amino acid position is conserved. In addition, this alteration is predicted to be tolerated by in silico analysis. Based on the available evidence, the clinical significance of this variant remains unclear.

Labcorp Genetics (formerly Invitae), Labcorp
Classification: Uncertain significance for Tumor predisposition syndrome 3. Last evaluated: 2025-10-11. Review status: criteria provided, single submitter. Criteria: Invitae Variant Classification Sherloc (09022015). Collection method: clinical testing. Allele origin: germline.
Comment: This sequence change replaces lysine, which is basic and polar, with arginine, which is basic and polar, at codon 247 of the POT1 protein (p.Lys247Arg). This variant is not present in population databases (gnomAD no frequency). This variant has not been reported in the literature in individuals affected with POT1-related conditions. ClinVar contains an entry for this variant (Variation ID: 1047127). Invitae Evidence Modeling of protein sequence and biophysical properties (such as structural, functional, and spatial information, amino acid conservation, physicochemical variation, residue mobility, and thermodynamic stability) indicates that this missense variant is not expected to disrupt POT1 protein function with a negative predictive value of 80%. In summary, the available evidence is currently insufficient to determine the role of this variant in disease. Therefore, it has been classified as a Variant of Uncertain Significance.